The following is an entry in ClinVar:

NM_001277115.2(DNAH11):c.7915-2A>G

Gene: DNAH11 (dynein axonemal heavy chain 11; plus strand). Cytogenetic location: 7p15.3.
Variant type: single nucleotide variant.
Coding change: c.7915-2A>G on transcript NM_001277115.2 (MANE Select); the canonical splice acceptor site of the intron before coding-DNA position 7915, A replaced by G.
Molecular consequence: splice acceptor variant.
Genome position (GRCh38, 1-based): chr7:21,741,925, A>G. VCF-style: chr7-21741925-A-G. GRCh37 (hg19) VCF-style: chr7-21781543-A-G.
Identifiers: ClinVar variation 3344457 (VCV003344457.1).

ClinVar aggregate classification (germline): Likely pathogenic (0 of 4 stars; one submission).

Conditions:
DNAH11-related disorder. Also called: DNAH11-related condition.

gnomAD v4.1: 1 of 1,613,314 alleles (0.000062%); highest among the groups gnomAD compares: Non-Finnish European, 0.000085%; no homozygotes.

Submission:

PreventionGenetics, part of Exact Sciences
Classification: Likely pathogenic for DNAH11-related condition. Last evaluated: 2024-08-29. Review status: no assertion criteria provided. Collection method: clinical testing. Allele origin: germline.
Comment: The DNAH11 c.7915-2A>G variant is predicted to disrupt the AG splice acceptor site and interfere with normal splicing. To our knowledge, this variant has not been reported in the literature. This variant is reported in 0.00089% of alleles in individuals of European (Non-Finnish) descent in gnomAD. Variants that disrupt the consensus splice acceptor site in DNAH11 are expected to be pathogenic. This variant is interpreted as likely pathogenic.